The following is an entry in ClinVar:

ClinVar aggregate classification (germline): Pathogenic (1 of 4 stars; one submission).

Conditions:
Early-infantile DEE. Also called: Early infantile epileptic encephalopathy; Ohtahara syndrome; Early infantile epileptic encephalopathy with suppression bursts. Identifiers: Orphanet 1934, MedGen C0393706, MONDO:0800491.

Submission:

Labcorp Genetics (formerly Invitae), Labcorp
Classification: Pathogenic for Early-infantile DEE. Last evaluated: 2025-09-08. Review status: criteria provided, single submitter. Criteria: Invitae Variant Classification Sherloc (09022015). Collection method: clinical testing. Allele origin: germline.
Comment: This sequence change creates a premature translational stop signal (p.Gly1382Leufs*6) in the SCN1A gene. It is expected to result in an absent or disrupted protein product. Loss-of-function variants in SCN1A are known to be pathogenic (PMID: 17347258, 18930999). This variant is not present in population databases (gnomAD no frequency). This variant has not been reported in the literature in individuals affected with SCN1A-related conditions. ClinVar contains an entry for this variant (Variation ID: 2127501). For these reasons, this variant has been classified as Pathogenic.

Literature cited by the submitters: PubMed 17347258; PubMed 18930999.

NM_001165963.4(SCN1A):c.4144_4153del (p.Gly1382fs)

Genes: SCN1A (sodium voltage-gated channel alpha subunit 1; minus strand), LOC102724058 (uncharacterized LOC102724058; plus strand). Cytogenetic location: 2q24.3.
Variant type: Deletion.
Coding change: c.4144_4153del on transcript NM_001165963.4 (MANE Select); coding-DNA positions 4144 to 4153, 10 bases deleted (GGTGACAGGT; older notation c.4144_4153delGGTGACAGGT).
Protein change: p.Gly1382fs; shifts the reading frame from glycine 1382.
Molecular consequence: frameshift variant. On other transcripts: non-coding transcript variant (1).
Genome position (GRCh38, 1-based): chr2:166,002,603-166,002,612, ACCTGTCACC deleted on the plus strand (GGTGACAGGT on the coding strand, the reverse complement: SCN1A is on the minus strand); deleting any 10 consecutive bases within chr2:166,002,603-166,002,613 gives the same sequence; the c. name uses the placement nearest the transcript's 3' end. VCF-style (leftmost placement, unchanged base first): chr2-166002602-AACCTGTCACC-A. GRCh37 (hg19) VCF-style: chr2-166859112-AACCTGTCACC-A.
Other names: c.4060_4069del, p.Gly1354fs (NM_001165964.3, NM_001353957.2, NM_001353958.2); c.4144_4153del, p.Gly1382fs (NM_001202435.3, NM_001353948.2); c.4111_4120del, p.Gly1371fs (NM_001353949.2, NM_001353950.2, NM_001353951.2 and 2 more transcripts); c.4108_4117del, p.Gly1370fs (NM_001353954.2, NM_001353955.2); c.4057_4066del, p.Gly1353fs (NM_001353960.2); c.1702_1711del, p.Gly568fs (NM_001353961.2); short protein forms G1354fs, G1382fs, G1370fs, G1353fs, G568fs, G1371fs.
Identifiers: ClinVar variation 2127501 (VCV002127501.4), dbSNP rs2468435747, ClinGen allele CA2580064422.
Genomic context (GRCh38, chr2:166,002,602, plus strand): 5'-GTCTCATTTCTTTCTATTAGTTTTAGGCAATCAGTATGATTATTCACGTCTTCGATGTCA[AACCTGTCACC>A]AGTTGTGGTGTTAATACAGTGGTAGAATTTGCCAGCAAACAAATTTACGCCCATGATGCT-3'